The following is an entry in ClinVar:

ClinVar aggregate classification (germline): Uncertain significance. Review status: criteria provided, multiple submitters, no conflicts (2 of 4 stars). 4 submissions from 4 submitters: Uncertain significance (2). 2 of the submissions do not count toward it. Last evaluated 2025-04-30.

Conditions:
Spastic paraplegia. Identifiers: MedGen C0037772, HP:0001258.

Allele frequency attached by ClinVar (database versions not stated): TOPMed below 0.00001; ExAC 0.00001; gnomAD 0.00001; gnomAD exomes 0.00001.
gnomAD v4.1: 16 of 1,613,816 alleles (0.00099%); highest among the groups gnomAD compares: Non-Finnish European, 0.0013%; no homozygotes.

Submissions (4):

GeneDx
Classification: Uncertain significance. Last evaluated: 2025-04-30. Review status: criteria provided, single submitter. Criteria: GeneDx Variant Classification Process June 2021. Collection method: clinical testing. Allele origin: germline.
Comment: Has not been previously published as pathogenic or benign to our knowledge; Not observed at significant frequency in large population cohorts (gnomAD); In silico analysis supports that this missense variant has a deleterious effect on protein structure/function

Labcorp Genetics (formerly Invitae), Labcorp
Classification: Uncertain significance for Spastic paraplegia. Last evaluated: 2024-05-27. Review status: criteria provided, single submitter. Criteria: Invitae Variant Classification Sherloc (09022015). Collection method: clinical testing. Allele origin: germline.
Comment: This sequence change replaces glutamic acid, which is acidic and polar, with lysine, which is basic and polar, at codon 818 of the KIF5A protein (p.Glu818Lys). This variant is present in population databases (rs766050696, gnomAD 0.002%). This variant has not been reported in the literature in individuals affected with KIF5A-related conditions. ClinVar contains an entry for this variant (Variation ID: 1210090). Advanced modeling of protein sequence and biophysical properties (such as structural, functional, and spatial information, amino acid conservation, physicochemical variation, residue mobility, and thermodynamic stability) performed at Invitae indicates that this missense variant is not expected to disrupt KIF5A protein function with a negative predictive value of 95%. In summary, the available evidence is currently insufficient to determine the role of this variant in disease. Therefore, it has been classified as a Variant of Uncertain Significance.

Genome Diagnostics Laboratory, Amsterdam University Medical Center
Classification: Uncertain significance. Review status: no assertion criteria provided. Collection method: clinical testing. Allele origin: germline. Affected: yes. Study: VKGL Data-share Consensus. Not counted in ClinVar's aggregate classification.

Joint Genome Diagnostic Labs from Nijmegen and Maastricht, Radboudumc and MUMC+
Classification: Uncertain significance. Review status: no assertion criteria provided. Collection method: clinical testing. Allele origin: germline. Affected: yes. Study: VKGL Data-share Consensus. Not counted in ClinVar's aggregate classification.

NM_004984.4(KIF5A):c.2452G>A (p.Glu818Lys)

Gene: KIF5A (kinesin family member 5A; plus strand). Cytogenetic location: 12q13.3.
Variant type: single nucleotide variant.
Coding change: c.2452G>A on transcript NM_004984.4 (MANE Select); coding-DNA position 2452, G replaced by A.
Protein change: p.Glu818Lys; replaces glutamic acid 818 with lysine.
Molecular consequence: missense variant.
Genome position (GRCh38, 1-based): chr12:57,578,256, G>A. VCF-style: chr12-57578256-G-A. GRCh37 (hg19) VCF-style: chr12-57972039-G-A.
Other names: c.2185G>A, p.Glu729Lys (NM_001354705.2); c.2452G>A (NM_004984.2); short protein forms E729K, E818K.
Identifiers: ClinVar variation 1210090 (VCV001210090.11), dbSNP rs766050696, ClinGen allele CA6653129.
Genomic context (GRCh38, chr12:57,578,256, plus strand): 5'-TGGCCTCAGGACAGCCACGTCTTTCCTTCTATCTGTTCTCAGAGTGCAGAAATGGAGCCC[G>A]AAGACAGTGGGGGGATTCACTCCCAAAAGCAGAAGATTTCCTTTCTTGAGAACAACCTGG-3'
Protein context (NP_004975.2, residues 808-828): RVKKSAEMEP[Glu818Lys]DSGGIHSQKQ